The following is an entry in ClinVar:

ClinVar aggregate classification (germline): Uncertain significance. Review status: criteria provided, multiple submitters, no conflicts (2 of 4 stars). 2 submissions from 2 submitters: Uncertain significance (2). Last evaluated 2026-02-01.

Conditions:
Hereditary spastic paraplegia 31. Also called: SPASTIC PARAPLEGIA 31, AUTOSOMAL DOMINANT. Identifiers: Orphanet 101011, MedGen C1853247, MONDO:0012453, OMIM 610250.

gnomAD v4.1: 4 of 1,612,134 alleles (0.00025%); highest among the groups gnomAD compares: Middle Eastern, 0.017%; no homozygotes.

Submissions (2):

CeGaT Center for Human Genetics Tuebingen
Classification: Uncertain significance. Last evaluated: 2026-02-01. Review status: criteria provided, single submitter. Criteria: CeGaT Center For Human Genetics Tuebingen Variant Classification Criteria Version 2. Collection method: clinical testing. Allele origin: germline. Affected: yes. Observed: 2 variant alleles.

Labcorp Genetics (formerly Invitae), Labcorp
Classification: Uncertain significance for Hereditary spastic paraplegia 31. Last evaluated: 2023-07-19. Review status: criteria provided, single submitter. Criteria: Invitae Variant Classification Sherloc (09022015). Collection method: clinical testing. Allele origin: germline.
Comment: ClinVar contains an entry for this variant (Variation ID: 1694961). An algorithm developed to predict the effect of missense changes on protein structure and function (PolyPhen-2) suggests that this variant is likely to be disruptive. In summary, the available evidence is currently insufficient to determine the role of this variant in disease. Therefore, it has been classified as a Variant of Uncertain Significance. This variant has not been reported in the literature in individuals affected with REEP1-related conditions. This sequence change replaces serine, which is neutral and polar, with arginine, which is basic and polar, at codon 179 of the REEP1 protein (p.Ser179Arg). The frequency data for this variant in the population databases is considered unreliable, as metrics indicate poor data quality at this position in the gnomAD database.

NM_001371279.1(REEP1):c.537C>A (p.Ser179Arg)

Gene: REEP1 (receptor accessory protein 1; minus strand). Cytogenetic location: 2p11.2.
Variant type: single nucleotide variant.
Coding change: c.537C>A on transcript NM_001371279.1 (MANE Select); coding-DNA position 537, C replaced by A.
Protein change: p.Ser179Arg; replaces serine 179 with arginine.
Molecular consequence: missense variant. On other transcripts: intron variant (1).
Genome position (GRCh38, 1-based): chr2:86,232,683, G>T on the plus strand (C>A on the coding strand, the complement: REEP1 is on the minus strand). VCF-style: chr2-86232683-G-T. GRCh37 (hg19) VCF-style: chr2-86459806-G-T.
Other names: c.558C>A, p.Ser186Arg (NM_001164730.2); c.456C>A, p.Ser152Arg (NM_001164731.2); c.302C>A, p.Ala101Glu (NM_001164732.2); c.537C>A, p.Ser179Arg (NM_022912.3); c.418-15573C>A (NM_001371280.1); short protein forms A101E, S152R, S179R, S186R.
Identifiers: ClinVar variation 1694961 (VCV001694961.34), dbSNP rs201564869, ClinGen allele CA1748692.